The following is an entry in ClinVar:

NM_032581.4(HYCC1):c.1291A>G (p.Ser431Gly)

Gene: HYCC1 (hyccin PI4KA lipid kinase complex subunit 1; minus strand). Cytogenetic location: 7p15.3.
Variant type: single nucleotide variant.
Coding change: c.1291A>G on transcript NM_032581.4 (MANE Select); coding-DNA position 1291, A replaced by G.
Protein change: p.Ser431Gly; replaces serine 431 with glycine.
Molecular consequence: missense variant. On other transcripts: 3 prime UTR variant (2).
Genome position (GRCh38, 1-based): chr7:22,945,864, T>C on the plus strand (A>G on the coding strand, the complement: HYCC1 is on the minus strand). VCF-style: chr7-22945864-T-C. GRCh37 (hg19) VCF-style: chr7-22985483-T-C.
Other names: c.1291A>G (NM_032581.3); c.*327A>G (NM_001363466.2); c.*285A>G (NM_001363467.2); short protein forms S431G.
Identifiers: ClinVar variation 1450022 (VCV001450022.8), dbSNP rs1289064810, ClinGen allele CA366970033.

ClinVar aggregate classification (germline): Uncertain significance. Review status: criteria provided, multiple submitters, no conflicts (2 of 4 stars). 2 submissions from 2 submitters: Uncertain significance (2). Last evaluated 2024-10-07.

Conditions:
Inborn genetic diseases. Identifiers: MedGen C0950123, MeSH D030342.
Hypomyelination and Congenital Cataract (HLD5). Also called: hypomyelinating leukodystrophy 5. Identifiers: Orphanet 85163, MedGen C1864663, MONDO:0012514, OMIM 610532.

Allele frequency attached by ClinVar (database versions not stated): TOPMed below 0.00001; gnomAD exomes 0.00001 and 0.00002.
gnomAD v4.1: 6 of 1,613,844 alleles (0.00037%); highest among the groups gnomAD compares: Admixed American, 0.01%; no homozygotes.

Submissions (2):

Ambry Genetics
Classification: Uncertain significance for Inborn genetic diseases. Last evaluated: 2024-10-07. Review status: criteria provided, single submitter. Criteria: Ambry Variant Classification Scheme 2023. Collection method: clinical testing. Allele origin: germline.

Labcorp Genetics (formerly Invitae), Labcorp
Classification: Uncertain significance for Hypomyelination and Congenital Cataract. Last evaluated: 2022-05-23. Review status: criteria provided, single submitter. Criteria: Invitae Variant Classification Sherloc (09022015). Collection method: clinical testing. Allele origin: germline.
Comment: This sequence change replaces serine, which is neutral and polar, with glycine, which is neutral and non-polar, at codon 431 of the FAM126A protein (p.Ser431Gly). This variant is present in population databases (no rsID available, gnomAD 0.01%). This variant has not been reported in the literature in individuals affected with FAM126A-related conditions. Algorithms developed to predict the effect of missense changes on protein structure and function are either unavailable or do not agree on the potential impact of this missense change (SIFT: "Tolerated"; PolyPhen-2: "Probably Damaging"; Align-GVGD: "Class C0"). In summary, the available evidence is currently insufficient to determine the role of this variant in disease. Therefore, it has been classified as a Variant of Uncertain Significance.